The following is an entry in ClinVar:

ClinVar aggregate classification (germline): Uncertain significance (1 of 4 stars; one submission).

Conditions:
Cardiovascular phenotype. Identifiers: MedGen CN230736.

Submission:

Ambry Genetics
Classification: Uncertain significance for Cardiovascular phenotype. Last evaluated: 2024-09-11. Review status: criteria provided, single submitter. Criteria: Ambry Variant Classification Scheme 2023. Collection method: clinical testing. Allele origin: germline.
Comment: The p.E1377V variant (also known as c.4130A>T), located in coding exon 10 of the TNXB gene, results from an A to T substitution at nucleotide position 4130. The glutamic acid at codon 1377 is replaced by valine, an amino acid with dissimilar properties. This amino acid position is conserved. In addition, this alteration is predicted to be tolerated by in silico analysis. Based on the available evidence, the clinical significance of this variant remains unclear.

NM_001365276.2(TNXB):c.4130A>T (p.Glu1377Val)

Gene: TNXB (tenascin XB; minus strand). Cytogenetic location: 6p21.33.
Variant type: single nucleotide variant.
Coding change: c.4130A>T on transcript NM_001365276.2 (MANE Select); coding-DNA position 4130, A replaced by T.
Protein change: p.Glu1377Val; replaces glutamic acid 1377 with valine.
Molecular consequence: missense variant.
Genome position (GRCh38, 1-based): chr6:32,079,278, T>A on the plus strand (A>T on the coding strand, the complement: TNXB is on the minus strand). VCF-style: chr6-32079278-T-A. GRCh37 (hg19) VCF-style: chr6-32047055-T-A.
Other names: c.4871A>T, p.Glu1624Val (NM_001428335.1); c.4130A>T, p.Glu1377Val (NM_019105.8); short protein forms E1624V, E1377V.
Identifiers: ClinVar variation 3459794 (VCV003459794.1).